The following is an entry in ClinVar:

ClinVar aggregate classification (germline): Pathogenic (1 of 4 stars; one submission).

Conditions:
Charlevoix-Saguenay spastic ataxia (SACS). Also called: AUTOSOMAL RECESSIVE SPASTIC ATAXIA OF CHARLEVOIX-SAGUENAY; Spastic ataxia of Charlevoix-Saguenay; SPASTIC ATAXIA 6, AUTOSOMAL RECESSIVE. Identifiers: Orphanet 98, MedGen C1849140, MONDO:0010041, OMIM 270550.

Submission:

Myriad Genetics, Inc.
Classification: Pathogenic for Charlevoix-Saguenay spastic ataxia. Last evaluated: 2026-02-10. Review status: criteria provided, single submitter. Criteria: Myriad Autosomal Dominant, Autosomal Recessive and X-Linked Classification Criteria (2023). Collection method: clinical testing. Allele origin: unknown.
Comment: NM_014363.4(SACS):c.11722dupT(Y3908Lfs*8) is a frameshift variant classified as pathogenic in the context of autosomal recessive spastic ataxia of Charlevoix-Saguenay. Y3908Lfs*8 has not been observed in cases with relevant disease. Relevant functional assessments of this variant are not available in the literature. Y3908Lfs*8 has not been observed in referenced population frequency databases. In summary, NM_014363.4(SACS):c.11722dupT(Y3908Lfs*8) is a frameshift variant in a gene where loss of function is a known mechanism of disease and is predicted to disrupt protein function. Please note: this variant was assessed in the context of healthy population screening.

NM_014363.6(SACS):c.11722dup (p.Tyr3908fs)

Gene: SACS (sacsin molecular chaperone; minus strand). Cytogenetic location: 13q12.12.
Variant type: Duplication.
Coding change: c.11722dup on transcript NM_014363.6 (MANE Select); coding-DNA position 11722, one base duplicated (T; older notation c.11722dupT).
Protein change: p.Tyr3908fs; shifts the reading frame from tyrosine 3908.
Molecular consequence: frameshift variant.
Genome position (GRCh38, 1-based): chr13:23,332,154, A duplicated on the plus strand (T on the coding strand, the reverse complement: SACS is on the minus strand); the first of 3 consecutive A bases (chr13:23,332,154-23,332,156); duplicating any one gives the same sequence. VCF-style (leftmost placement, unchanged base first): chr13-23332153-T-TA. GRCh37 (hg19) VCF-style: chr13-23906292-T-TA.
Other names: c.11281dup, p.Tyr3761fs (NM_001278055.2); c.11749dup, p.Tyr3917fs (NM_001437336.1); short protein forms Y3761fs, Y3917fs, Y3908fs.
Identifiers: ClinVar variation 5004459 (VCV005004459.1).
Genomic context (GRCh38, chr13:23,332,153, plus strand): 5'-GGCGCATCGTCAAACACTAAGATGCTTGACTTTACCAATCTACCATCCTGGCTTGGGAGG[T>TA]AAAGCGCAAGGTCTCGTACATTCTCGAGATCACTCCTCACCTTGACTGAATCATTCTGTA-3'